The following is an entry in ClinVar:

NM_000548.5(TSC2):c.1458C>G (p.Asn486Lys)

Gene: TSC2 (TSC complex subunit 2; plus strand). Cytogenetic location: 16p13.3.
Variant type: single nucleotide variant.
Coding change: c.1458C>G on transcript NM_000548.5 (MANE Select); coding-DNA position 1458, C replaced by G.
Protein change: p.Asn486Lys; replaces asparagine 486 with lysine.
Molecular consequence: missense variant.
Genome position (GRCh38, 1-based): chr16:2,064,286, C>G. VCF-style: chr16-2064286-C-G. GRCh37 (hg19) VCF-style: chr16-2114287-C-G.
Other names: p.N486K:AAC>AAG; c.1458C>G, p.Asn486Lys (NM_001077183.3, NM_001114382.3, NM_001363528.2 and 3 more transcripts); c.1347C>G, p.Asn449Lys (NM_001318827.2); c.1311C>G, p.Asn437Lys (NM_001318829.2); c.858C>G, p.Asn286Lys (NM_001318831.2); c.1491C>G, p.Asn497Lys (NM_001318832.2); short protein forms N486K, N286K, N497K, N449K, N437K.
Identifiers: ClinVar variation 41728 (VCV000041728.50), dbSNP rs200532154, ClinGen allele CA014912.

ClinVar aggregate classification (germline): Conflicting classifications of pathogenicity. Review status: criteria provided, conflicting classifications (1 of 4 stars). 6 submissions from 6 submitters: Uncertain significance (3); Benign (1); Likely benign (1). 1 of the submissions does not count toward it. Last evaluated 2025-11-30.

Conditions:
Hereditary cancer-predisposing syndrome. Also called: Tumor predisposition; Neoplastic Syndromes, Hereditary; Hereditary Cancer Syndrome; Hereditary neoplastic syndrome. Identifiers: Orphanet 140162, MedGen C0027672, MeSH D009386, MONDO:0015356.
Tuberous sclerosis 2 (TSC2). Identifiers: Orphanet 805, MedGen C1860707, MONDO:0013199, OMIM 613254.

gnomAD v4.1: 5 of 1,613,960 alleles (0.00031%); highest among the groups gnomAD compares: Non-Finnish European, 0.00034%; no homozygotes.

Submissions (6):

Labcorp Genetics (formerly Invitae), Labcorp
Classification: Benign for Tuberous sclerosis 2. Last evaluated: 2025-11-30. Review status: criteria provided, single submitter. Criteria: Invitae Variant Classification Sherloc (09022015). Collection method: clinical testing. Allele origin: germline.

Ambry Genetics
Classification: Uncertain significance for Hereditary cancer-predisposing syndrome. Last evaluated: 2025-06-28. Review status: criteria provided, single submitter. Criteria: Ambry Variant Classification Scheme 2023. Collection method: clinical testing. Allele origin: germline.
Comment: The p.N486K variant (also known as c.1458C>G), located in coding exon 14 of the TSC2 gene, results from a C to G substitution at nucleotide position 1458. The asparagine at codon 486 is replaced by lysine, an amino acid with similar properties. This variant was detected as a secondary finding in 1 out of 527 ClinSeq participants, unselected for personal or family history of cancer, who underwent exome sequencing; however, the clinical information for this particular individual was not provided (Johnston JJ et al. Am. J. Hum. Genet., 2012 Jul;91:97-108). This amino acid position is not well conserved in available vertebrate species. In addition, this alteration is predicted to be tolerated by in silico analysis. Since supporting evidence is limited at this time, the clinical significance of this alteration remains unclear.

Genome-Nilou Lab
Classification: Uncertain significance for Tuberous sclerosis 2. Last evaluated: 2021-11-07. Review status: criteria provided, single submitter. Criteria: ACMG Guidelines, 2015. Collection method: clinical testing. Allele origin: germline. Affected: no.

CeGaT Center for Human Genetics Tuebingen
Classification: Uncertain significance. Last evaluated: 2021-09-01. Review status: criteria provided, single submitter. Criteria: CeGaT Center For Human Genetics Tuebingen Variant Classification Criteria Version 2. Collection method: clinical testing. Allele origin: germline. Affected: yes. Observed: 1 variant allele.

GeneDx
Classification: Likely benign. Last evaluated: 2015-10-26. Review status: criteria provided, single submitter. Criteria: GeneDx Variant Classification (06012015). Collection method: clinical testing. Allele origin: germline. Affected: yes.
Comment: This variant is considered likely benign or benign based on one or more of the following criteria: it is a conservative change, it occurs at a poorly conserved position in the protein, it is predicted to be benign by multiple in silico algorithms, and/or has population frequency not consistent with disease.

Biesecker Lab/Clinical Genomics Section, National Institutes of Health
Classification: Uncertain significance. Last evaluated: 2012-07-13. Review status: no assertion criteria provided. Collection method: research. Allele origin: germline. Affected: no. Observed: 1 variant allele. Study: ClinSeq. Not counted in ClinVar's aggregate classification.
ClinVar note: Converted during submission from variant of unknown significance to Uncertain significance.

Literature cited by the submitters: PubMed 27600092 (cited by Ambry Genetics).